The following is an entry in ClinVar:

ClinVar aggregate classification (germline): Pathogenic/Likely pathogenic. Review status: criteria provided, multiple submitters, no conflicts (2 of 4 stars). 4 submissions from 4 submitters: Pathogenic (1); Likely pathogenic (2). 1 of the submissions does not count toward it. Last evaluated 2024-06-12.

Conditions:
Telangiectasia, hereditary hemorrhagic, type 1 (HHT1). Also called: Osler Weber Rendu syndrome type 1; ENG-Related Hereditary Hemorrhagic Telangiectasia. Identifiers: Orphanet 774, MedGen C4551861, MONDO:0008535, OMIM 187300. Disease mechanism: loss of function.
Hereditary hemorrhagic telangiectasia (HHT). Also called: Osler hemorrhagic telangiectasia syndrome; ORW DISEASE; Osler Weber Rendu syndrome; OSLER-RENDU-WEBER DISEASE. Identifiers: Orphanet 774, MedGen C0039445, MONDO:0019180. Disease mechanism: loss of function.
Cardiovascular phenotype. Identifiers: MedGen CN230736.

Submissions (4):

Labcorp Genetics (formerly Invitae), Labcorp
Classification: Likely pathogenic for Hereditary hemorrhagic telangiectasia. Last evaluated: 2024-06-12. Review status: criteria provided, single submitter. Criteria: Invitae Variant Classification Sherloc (09022015). Collection method: clinical testing. Allele origin: germline.
Comment: This sequence change replaces lysine, which is basic and polar, with serine, which is neutral and polar, at codon 374 of the ENG protein (p.Lys374Ser). Information on the frequency of this variant in the gnomAD database is not available, as this variant may be reported differently in the database. This missense change has been observed in individual(s) with hereditary hemorrhagic telangiectasia (PMID: 15517393, 17384219; Invitae). In at least one individual the variant was observed to be de novo. ClinVar contains an entry for this variant (Variation ID: 1701581). An algorithm developed to predict the effect of missense changes on protein structure and function (PolyPhen-2) suggests that this variant is likely to be disruptive. In summary, the currently available evidence indicates that the variant is pathogenic, but additional data are needed to prove that conclusively. Therefore, this variant has been classified as Likely Pathogenic.

Ambry Genetics
Classification: Likely pathogenic for Cardiovascular phenotype. Last evaluated: 2024-01-23. Review status: criteria provided, single submitter. Criteria: Ambry Variant Classification Scheme 2023. Collection method: clinical testing. Allele origin: germline.
Comment: The c.1121_1122delAAinsGC variant (also known as p.K374S), located in coding exon 8 of the ENG gene, results from an in-frame deletion of AA and insertion of GC at nucleotide positions 1121 to 1122. This results in the substitution of the lysine residue for a serine residue at codon 374, an amino acid with dissimilar properties. This variant was identified in 2 individuals with a clinical diagnosis of hereditary hemorrhagic telangiectasia (HHT) (Letteboer TG et al. Hum. Genet., 2005 Jan;116:8-16; Gedge F et al. J Mol Diagn, 2007 Apr;9:258-65). This variant is considered to be rare based on population cohorts in the Genome Aggregation Database (gnomAD). This amino acid position is highly conserved in available vertebrate species. In addition, the in silico prediction for this alteration is inconclusive (Choi Y et al. PLoS ONE. 2012; 7(10):e46688). Based on the majority of available evidence to date, this variant is likely to be pathogenic.

CeGaT Center for Human Genetics Tuebingen
Classification: Pathogenic. Last evaluated: 2020-04-01. Review status: criteria provided, single submitter. Criteria: CeGaT Center For Human Genetics Tuebingen Variant Classification Criteria Version 2. Collection method: clinical testing. Allele origin: germline. Affected: yes. Observed: 3 variant alleles.

Laboratorio de Genetica e Diagnostico Molecular, Hospital Israelita Albert Einstein
Classification: Uncertain significance for Telangiectasia, hereditary hemorrhagic, type 1. Last evaluated: 2022-04-22. Review status: flagged submission. Criteria: ACMG Guidelines, 2015. Collection method: clinical testing. Allele origin: germline. Affected: yes. Observed: 1 variant allele. Not counted in ClinVar's aggregate classification.
Comment: ACMG classification criteria: PS4 supporting, PM2 moderated, PM6 moderated
ClinVar note: Reason: Older and outlier claim with insufficient supporting evidence

Literature cited by the submitters: PubMed 15517393 (cited by Labcorp Genetics (formerly Invitae), Labcorp and Ambry Genetics); PubMed 17384219 (cited by Labcorp Genetics (formerly Invitae), Labcorp and Ambry Genetics).

NM_001114753.3(ENG):c.1121_1122delinsGC (p.Lys374Ser)

Gene: ENG (endoglin; minus strand). Cytogenetic location: 9q34.11.
Variant type: Indel.
Coding change: c.1121_1122delinsGC on transcript NM_001114753.3 (MANE Select); coding-DNA positions 1121 to 1122, AA replaced by GC.
Protein change: p.Lys374Ser; replaces lysine 374 with serine.
Molecular consequence: missense variant.
Genome position (GRCh38, 1-based): chr9:127,824,316-127,824,317, TT replaced by GC on the plus strand (AA replaced by GC on the coding strand, the reverse complement: ENG is on the minus strand). VCF-style: chr9-127824316-TT-GC. GRCh37 (hg19) VCF-style: chr9-130586595-TT-GC.
Other names: c.1121_1122delAAinsGC, p.Lys374Ser (NM_000118.4, NM_001406715.1); c.575_576delinsGC, p.Lys192Ser (NM_001278138.2); short protein forms K192S, K374S.
Identifiers: ClinVar variation 1701581 (VCV001701581.39), dbSNP rs2131885751, ClinGen allele CA913186018.
Genomic context (GRCh38, chr9:127,824,316, plus strand): 5'-ACCAGATGTCCATGTCATCCTGAGCCAGAGGGGCAGGAGTTCCCTTACCGCAACAAGCTC[TT>GC]TCTTTAGTACCAGGGTCATGGCGTCGTCGGCACACTTTGTCTGGATCAAGGACATGAGCA-3'
Protein context (NP_001108225.1, residues 364-384): ADDAMTLVLK[Lys374Ser]ELVAHLKCTI